The following is an entry in ClinVar:

NM_181486.4(TBX5):c.815G>A (p.Ser272Asn)

Gene: TBX5 (T-box transcription factor 5; minus strand). Cytogenetic location: 12q24.21.
Variant type: single nucleotide variant.
Coding change: c.815G>A on transcript NM_181486.4 (MANE Select); coding-DNA position 815, G replaced by A.
Protein change: p.Ser272Asn; replaces serine 272 with asparagine.
Molecular consequence: missense variant.
Genome position (GRCh38, 1-based): chr12:114,366,332, C>T on the plus strand (G>A on the coding strand, the complement: TBX5 is on the minus strand). VCF-style: chr12-114366332-C-T. GRCh37 (hg19) VCF-style: chr12-114804137-C-T.
Other names: c.815G>A, p.Ser272Asn (NM_000192.3); c.665G>A, p.Ser222Asn (NM_080717.4); short protein forms S272N, S222N.
Identifiers: ClinVar variation 5030552 (VCV005030552.1).

ClinVar aggregate classification (germline): Uncertain significance (1 of 4 stars; one submission).

Conditions:
Cardiovascular phenotype. Identifiers: MedGen CN230736.

gnomAD v4.1: 5 of 1,613,952 alleles (0.00031%); highest among the groups gnomAD compares: Non-Finnish European, 0.00042%; no homozygotes.

Submission:

Ambry Genetics
Classification: Uncertain significance for Cardiovascular phenotype. Last evaluated: 2026-06-25. Review status: criteria provided, single submitter. Criteria: Ambry Variant Classification Scheme 2023. Collection method: clinical testing. Allele origin: germline.
Comment: The p.S272N variant (also known as c.815G>A), located in coding exon 7 of the TBX5 gene, results from a G to A substitution at nucleotide position 815. The serine at codon 272 is replaced by asparagine, an amino acid with highly similar properties. This amino acid position is conserved. In addition, this alteration is predicted to be tolerated by in silico analysis. Based on the available evidence, the clinical significance of this variant remains unclear.